The following is an entry in ClinVar:

NM_002528.7(NTHL1):c.664T>A (p.Trp222Arg)

Gene: NTHL1 (nth like DNA glycosylase 1; minus strand). Cytogenetic location: 16p13.3.
Variant type: single nucleotide variant.
Coding change: c.664T>A on transcript NM_002528.7 (MANE Select); coding-DNA position 664, T replaced by A.
Protein change: p.Trp222Arg; replaces tryptophan 222 with arginine.
Molecular consequence: missense variant.
Genome position (GRCh38, 1-based): chr16:2,043,588, A>T on the plus strand (T>A on the coding strand, the complement: NTHL1 is on the minus strand). VCF-style: chr16-2043588-A-T. GRCh37 (hg19) VCF-style: chr16-2093589-A-T.
Other names: c.493T>A, p.Trp165Arg (NM_001318193.2); c.334T>A, p.Trp112Arg (NM_001318194.2); short protein forms W112R, W222R, W165R.
Identifiers: ClinVar variation 4723045 (VCV004723045.1).

ClinVar aggregate classification (germline): Uncertain significance (1 of 4 stars; one submission).

Submission:

Labcorp Genetics (formerly Invitae), Labcorp
Classification: Uncertain significance. Last evaluated: 2025-07-13. Review status: criteria provided, single submitter. Criteria: Invitae Variant Classification Sherloc (09022015). Collection method: clinical testing. Allele origin: germline.
Comment: This sequence change replaces tryptophan, which is neutral and slightly polar, with arginine, which is basic and polar, at codon 230 of the NTHL1 protein (p.Trp230Arg). This variant is not present in population databases (gnomAD no frequency). This variant has not been reported in the literature in individuals affected with NTHL1-related conditions. An algorithm developed to predict the effect of missense changes on protein structure and function (PolyPhen-2) suggests that this variant is likely to be disruptive. In summary, the available evidence is currently insufficient to determine the role of this variant in disease. Therefore, it has been classified as a Variant of Uncertain Significance.